The following is an entry in ClinVar:

NM_014000.3(VCL):c.2566G>A (p.Asp856Asn)

Gene: VCL (vinculin; plus strand). Cytogenetic location: 10q22.2.
Variant type: single nucleotide variant.
Coding change: c.2566G>A on transcript NM_014000.3 (MANE Select); coding-DNA position 2566, G replaced by A.
Protein change: p.Asp856Asn; replaces aspartic acid 856 with asparagine.
Molecular consequence: missense variant.
Genome position (GRCh38, 1-based): chr10:74,108,977, G>A. VCF-style: chr10-74108977-G-A. GRCh37 (hg19) VCF-style: chr10-75868735-G-A.
Other names: c.2566G>A, p.Asp856Asn (NM_003373.4); short protein forms D856N.
Identifiers: ClinVar variation 468816 (VCV000468816.8), dbSNP rs1554819202, ClinGen allele CA377264033.

ClinVar aggregate classification (germline): Uncertain significance (1 of 4 stars; one submission).

Conditions:
Dilated cardiomyopathy 1W (CMD1W). Identifiers: Orphanet 154, MedGen C1969639, MONDO:0012667, OMIM 611407.

Submission:

Labcorp Genetics (formerly Invitae), Labcorp
Classification: Uncertain significance for Dilated cardiomyopathy 1W. Last evaluated: 2022-08-15. Review status: criteria provided, single submitter. Criteria: Invitae Variant Classification Sherloc (09022015). Collection method: clinical testing. Allele origin: germline.
Comment: This sequence change replaces aspartic acid, which is acidic and polar, with asparagine, which is neutral and polar, at codon 856 of the VCL protein (p.Asp856Asn). This variant is not present in population databases (gnomAD no frequency). This variant has not been reported in the literature in individuals affected with VCL-related conditions. ClinVar contains an entry for this variant (Variation ID: 468816). Algorithms developed to predict the effect of missense changes on protein structure and function are either unavailable or do not agree on the potential impact of this missense change (SIFT: "Not Available"; PolyPhen-2: "Probably Damaging"; Align-GVGD: "Not Available"). In summary, the available evidence is currently insufficient to determine the role of this variant in disease. Therefore, it has been classified as a Variant of Uncertain Significance.